The following is an entry in ClinVar:

ClinVar aggregate classification (germline): Uncertain significance. Review status: criteria provided, multiple submitters, no conflicts (2 of 4 stars). 2 submissions from 2 submitters: Uncertain significance (2). Last evaluated 2023-12-25.

Conditions:
Loeys-Dietz syndrome 2 (LDS2). Also called: Marfan Syndrome type 2; Marfan like connective tissue disorder; MFS 2; TGFBR2-Related Loeys-Dietz Syndrome; AORTIC ANEURYSM, FAMILIAL THORACIC 3; MARFAN SYNDROME, TYPE II. Identifiers: Orphanet 284973, Orphanet 558, MedGen C2674574, MONDO:0012427, OMIM 610168.

Submissions (2):

Ambry Genetics
Classification: Uncertain significance. Last evaluated: 2023-12-25. Review status: criteria provided, single submitter. Criteria: Ambry Variant Classification Scheme 2023. Collection method: clinical testing. Allele origin: germline.
Comment: The p.W654C variant (also known as c.1962G>C), located in coding exon 4 of the TMPO gene, results from a G to C substitution at nucleotide position 1962. The tryptophan at codon 654 is replaced by cysteine, an amino acid with highly dissimilar properties. This amino acid position is conserved. In addition, the in silico prediction for this alteration is inconclusive. Since supporting evidence is limited at this time, the clinical significance of this alteration remains unclear.

Labcorp Genetics (formerly Invitae), Labcorp
Classification: Uncertain significance for Loeys-Dietz syndrome 2. Last evaluated: 2019-11-01. Review status: criteria provided, single submitter. Criteria: Invitae Variant Classification Sherloc (09022015). Collection method: clinical testing. Allele origin: germline.
Comment: Algorithms developed to predict the effect of missense changes on protein structure and function output the following: SIFT: "Deleterious"; PolyPhen-2: "Benign"; Align-GVGD: "Class C0". The cysteine amino acid residue is found in multiple mammalian species, suggesting that this missense change does not adversely affect protein function. These predictions have not been confirmed by published functional studies and their clinical significance is uncertain. This sequence change replaces tryptophan with cysteine at codon 654 of the TMPO protein (p.Trp654Cys). The tryptophan residue is weakly conserved and there is a large physicochemical difference between tryptophan and cysteine. This variant is not present in population databases (ExAC no frequency). This variant has not been reported in the literature in individuals with TMPO-related conditions. In summary, the available evidence is currently insufficient to determine the role of this variant in disease. Therefore, it has been classified as a Variant of Uncertain Significance.

NM_001032283.3(TMPO):c.565+2381G>C

Gene: TMPO (thymopoietin; plus strand). Cytogenetic location: 12q23.1.
Variant type: single nucleotide variant.
Coding change: c.565+2381G>C on transcript NM_001032283.3 (MANE Select); 2381 bases into the intron after coding-DNA position 565, G replaced by C.
Molecular consequence: intron variant. On other transcripts: missense variant (1).
Genome position (GRCh38, 1-based): chr12:98,534,219, G>C. VCF-style: chr12-98534219-G-C. GRCh37 (hg19) VCF-style: chr12-98927997-G-C.
Other names: c.1962G>C, p.Trp654Cys (NM_003276.2); c.565+2381G>C (NM_001307975.2, NM_001032284.3); short protein forms W654C.
Identifiers: ClinVar variation 965301 (VCV000965301.11), dbSNP rs1877422962, ClinGen allele CA386154303.